The following is an entry in ClinVar:

ClinVar aggregate classification (germline): Uncertain significance (1 of 4 stars; one submission).

Conditions:
Cohen syndrome (COH1). Also called: PEPPER SYNDROME; Cutis verticis gyrata, retinitis pigmentosa, and sensorineural deafness. Identifiers: Orphanet 193, MedGen C0265223, MONDO:0008999, OMIM 216550.

Allele frequency attached by ClinVar (database versions not stated): gnomAD exomes below 0.00001; TOPMed below 0.00001; gnomAD 0.00001.
gnomAD v4.1: 2 of 1,613,938 alleles (0.00012%); highest among the groups gnomAD compares: African/African-American, 0.0027%; no homozygotes.

Submission:

Labcorp Genetics (formerly Invitae), Labcorp
Classification: Uncertain significance for Cohen syndrome. Last evaluated: 2022-09-21. Review status: criteria provided, single submitter. Criteria: Invitae Variant Classification Sherloc (09022015). Collection method: clinical testing. Allele origin: germline.
Comment: In summary, the available evidence is currently insufficient to determine the role of this variant in disease. Therefore, it has been classified as a Variant of Uncertain Significance. Advanced modeling of protein sequence and biophysical properties (such as structural, functional, and spatial information, amino acid conservation, physicochemical variation, residue mobility, and thermodynamic stability) performed at Invitae indicates that this missense variant is expected to disrupt VPS13B protein function. This variant has not been reported in the literature in individuals affected with VPS13B-related conditions. This variant is not present in population databases (gnomAD no frequency). This sequence change replaces phenylalanine, which is neutral and non-polar, with leucine, which is neutral and non-polar, at codon 1834 of the VPS13B protein (p.Phe1834Leu).

NM_152564.5(VPS13B):c.5425T>C (p.Phe1809Leu)

Gene: VPS13B (vacuolar protein sorting 13 homolog B; plus strand). Cytogenetic location: 8q22.2.
Variant type: single nucleotide variant.
Coding change: c.5425T>C on transcript NM_152564.5 (MANE Select); coding-DNA position 5425, T replaced by C.
Protein change: p.Phe1809Leu; replaces phenylalanine 1809 with leucine.
Molecular consequence: missense variant.
Genome position (GRCh38, 1-based): chr8:99,642,015, T>C. VCF-style: chr8-99642015-T-C. GRCh37 (hg19) VCF-style: chr8-100654243-T-C.
Other names: c.5500T>C, p.Phe1834Leu (NM_017890.5); short protein forms F1809L, F1834L.
Identifiers: ClinVar variation 2143878 (VCV002143878.4), dbSNP rs1829389659, ClinGen allele CA371872520.
Genomic context (GRCh38, chr8:99,642,015, plus strand): 5'-GCCAGTCAGCATCGCATTGCCCGTCCCTCACGCCAGTCATCAATTGTAAAAAATCTAAAT[T>C]TTATTCCCTTTGACATATTTATTACTGCAAGTAGAATCTCACTAATGACCTATTCCTGTA-3'
Protein context (NP_689777.3, residues 1799-1819): RQSSIVKNLN[Phe1809Leu]IPFDIFITAS